The following is an entry in ClinVar:

ClinVar aggregate classification (germline): Likely benign. Review status: criteria provided, multiple submitters, no conflicts (2 of 4 stars). 5 submissions from 5 submitters: Likely benign (5). Last evaluated 2026-01-16.

Conditions:
TTN-related disorder. Also called: TTN-related disorders; TTN-related condition; TTN-related disease.
Cardiovascular phenotype. Identifiers: MedGen CN230736.
Dilated cardiomyopathy 1G (CMD1G). Identifiers: Orphanet 154, MedGen C1858763, MONDO:0011400, OMIM 604145.
Autosomal recessive limb-girdle muscular dystrophy type 2J (LGMDR10). Also called: Limb-girdle muscular dystrophy, type 2J; MUSCULAR DYSTROPHY, LIMB-GIRDLE, AUTOSOMAL RECESSIVE 10. Identifiers: Orphanet 140922, MedGen C1837342, MONDO:0012127, OMIM 608807.

Allele frequency attached by ClinVar (database versions not stated): ExAC 0.00002; gnomAD exomes 0.00003; gnomAD 0.00009; TOPMed 0.00011.
gnomAD v4.1: 34 of 1,613,310 alleles (0.0021%); highest among the groups gnomAD compares: African/African-American, 0.029%; no homozygotes.

Submissions (5):

Labcorp Genetics (formerly Invitae), Labcorp
Classification: Likely benign for Dilated cardiomyopathy 1G; Autosomal recessive limb-girdle muscular dystrophy type 2J. Last evaluated: 2026-01-16. Review status: criteria provided, single submitter. Criteria: Invitae Variant Classification Sherloc (09022015). Collection method: clinical testing. Allele origin: germline.

PreventionGenetics, part of Exact Sciences
Classification: Likely benign for TTN-related condition. Last evaluated: 2025-09-12. Review status: criteria provided, single submitter. Criteria: ACMG Guidelines, 2015. Collection method: clinical testing. Allele origin: germline.
Comment: This variant is classified as likely benign based on ACMG/AMP sequence variant interpretation guidelines (Richards et al. 2015 PMID: 25741868, with internal and published modifications).

Ambry Genetics
Classification: Likely benign for Cardiovascular phenotype. Last evaluated: 2021-03-27. Review status: criteria provided, single submitter. Criteria: Ambry Variant Classification Scheme 2023. Collection method: clinical testing. Allele origin: germline.

GeneDx
Classification: Likely benign. Last evaluated: 2019-11-14. Review status: criteria provided, single submitter. Criteria: GeneDx Variant Classification Process June 2021. Collection method: clinical testing. Allele origin: germline. Affected: yes.

Laboratory for Molecular Medicine, Mass General Brigham Personalized Medicine
Classification: Likely benign. Last evaluated: 2015-10-22. Review status: criteria provided, single submitter. Criteria: LMM Criteria. Collection method: clinical testing. Allele origin: germline. Observed: 1 variant allele.
Comment: p.Asp17123Asp in exon 249 of TTN: This variant is not expected to have clinical significance because it does not alter an amino acid residue and is not located within the splice consensus sequence. It has been identified in 2/11492 Latino c hromosomes and 1/9802 African American by the Exome Aggregation Consortium (ExAC).

NM_001267550.2(TTN):c.59073T>C (p.Asp19691=)

Genes: TTN (titin; minus strand), TTN-AS1 (TTN antisense RNA 1; plus strand). Cytogenetic location: 2q31.2.
Variant type: single nucleotide variant.
Coding change: c.59073T>C on transcript NM_001267550.2 (MANE Select); coding-DNA position 59073, T replaced by C.
Protein change: p.Asp19691=; no amino-acid change (aspartic acid 19691 retained).
Molecular consequence: synonymous variant.
Genome position (GRCh38, 1-based): chr2:178,593,046, A>G on the plus strand (T>C on the coding strand, the complement: TTN is on the minus strand). VCF-style: chr2-178593046-A-G. GRCh37 (hg19) VCF-style: chr2-179457773-A-G.
Other names: c.54150T>C, p.Asp18050= (NM_001256850.1); c.31878T>C, p.Asp10626= (NM_003319.4); c.32253T>C, p.Asp10751= (NM_133432.3); c.32454T>C, p.Asp10818= (NM_133437.4); c.51369T>C, p.Asp17123= (NM_133378.4).
Identifiers: ClinVar variation 228114 (VCV000228114.19), dbSNP rs775577598, ClinGen allele CA1992721.
Genomic context (GRCh38, chr2:178,593,046, plus strand): 5'-CTTGCTCCCACCATCATGACGTGGTGGCTGCCAAGTTAGATCGACTGAATTGCATGTTGT[A>G]TCTATTGCTTCAGGATTAACAGGTGGACTTGGTTTAGCTAAAAAATAAAAGTAAAAAACG-3'
Protein context (NP_001254479.2, residues 19681-19701): PSPPVNPEAI[Asp19691=]TTCNSVDLTW